The following is an entry in ClinVar:

ClinVar aggregate classification (germline): Uncertain significance. Review status: criteria provided, multiple submitters, no conflicts (2 of 4 stars). 3 submissions from 3 submitters: Uncertain significance (3). Last evaluated 2023-11-30.

Conditions:
Niemann-Pick disease, type C1. Also called: NEUROVISCERAL STORAGE DISEASE WITH VERTICAL SUPRANUCLEAR OPHTHALMOPLEGIA; NIEMANN-PICK DISEASE WITH CHOLESTEROL ESTERIFICATION BLOCK; NIEMANN-PICK DISEASE WITHOUT SPHINGOMYELINASE DEFICIENCY; NIEMANN-PICK DISEASE, CHRONIC NEURONOPATHIC FORM; NIEMANN-PICK DISEASE, VARIANT TYPE C1. Identifiers: Orphanet 646, MedGen C3179455, MONDO:0009757, OMIM 257220.

Allele frequency attached by ClinVar (database versions not stated): gnomAD exomes 0.00002; gnomAD 0.00003; TOPMed 0.00003; ExAC 0.00002.

Submissions (3):

Blueprint Genetics
Classification: Uncertain significance. Last evaluated: 2023-11-30. Review status: criteria provided, single submitter. Criteria: ACMG Guidelines, 2015. Collection method: clinical testing. Allele origin: germline.

Institute of Human Genetics, University of Leipzig Medical Center
Classification: Uncertain significance for Niemann-Pick disease, type C1. Last evaluated: 2023-07-24. Review status: criteria provided, single submitter. Criteria: ACMG Guidelines, 2015. Collection method: clinical testing. Allele origin: paternal. Inheritance: Autosomal recessive inheritance. Affected: yes.
Comment: Identified as compund heterozygous with NM_000271.5:c.3019C>G. Criteria applied: PM1,PM2_SUP,PP3

Labcorp Genetics (formerly Invitae), Labcorp
Classification: Uncertain significance for Niemann-Pick disease, type C1. Last evaluated: 2021-10-10. Review status: criteria provided, single submitter. Criteria: Invitae Variant Classification Sherloc (09022015). Collection method: clinical testing. Allele origin: germline.
Comment: This sequence change replaces serine, which is neutral and polar, with asparagine, which is neutral and polar, at codon 666 of the NPC1 protein (p.Ser666Asn). This variant is present in population databases (rs750480579, gnomAD 0.01%). This missense change has been observed in individual(s) with Niemann-Pick type C (PMID: 16802107). Algorithms developed to predict the effect of missense changes on protein structure and function are either unavailable or do not agree on the potential impact of this missense change (SIFT: "Tolerated"; PolyPhen-2: "Possibly Damaging"; Align-GVGD: "Class C0"). In summary, the available evidence is currently insufficient to determine the role of this variant in disease. Therefore, it has been classified as a Variant of Uncertain Significance.

Literature cited by the submitters: PubMed 16802107 (cited by Labcorp Genetics (formerly Invitae), Labcorp).

NM_000271.5(NPC1):c.1997G>A (p.Ser666Asn)

Gene: NPC1 (NPC intracellular cholesterol transporter 1; minus strand). Cytogenetic location: 18q11.2.
Variant type: single nucleotide variant.
Coding change: c.1997G>A on transcript NM_000271.5 (MANE Select); coding-DNA position 1997, G replaced by A.
Protein change: p.Ser666Asn; replaces serine 666 with asparagine.
Molecular consequence: missense variant.
Genome position (GRCh38, 1-based): chr18:23,544,477, C>T on the plus strand (G>A on the coding strand, the complement: NPC1 is on the minus strand). VCF-style: chr18-23544477-C-T. GRCh37 (hg19) VCF-style: chr18-21124441-C-T.
Other names: short protein forms S666N.
Identifiers: ClinVar variation 2138135 (VCV002138135.4), dbSNP rs750480579, ClinGen allele CA8913240.